The following is an entry in ClinVar:

ClinVar aggregate classification (germline): Uncertain significance. Review status: criteria provided, multiple submitters, no conflicts (2 of 4 stars). 2 submissions from 2 submitters: Uncertain significance (2). Last evaluated 2025-02-16.

Submissions (2):

Laboratory of Genetics, Children's Clinical University Hospital Latvia
Classification: Uncertain significance. Last evaluated: 2025-02-16. Review status: criteria provided, single submitter. Criteria: ACMG Guidelines, 2015. Collection method: clinical testing. Allele origin: germline. Affected: yes.

GeneDx
Classification: Uncertain significance. Last evaluated: 2021-01-14. Review status: criteria provided, single submitter. Criteria: GeneDx Variant Classification Process June 2021. Collection method: clinical testing. Allele origin: germline. Affected: yes.
Comment: Has not been previously published as pathogenic or benign to our knowledge; Not observed in large population cohorts (Lek et al., 2016); In silico analysis, which includes protein predictors and evolutionary conservation, supports a deleterious effect

NM_000173.7(GP1BA):c.308A>G (p.Asn103Ser)

Gene: GP1BA (glycoprotein Ib platelet subunit alpha; plus strand). Cytogenetic location: 17p13.2.
Variant type: single nucleotide variant.
Coding change: c.308A>G on transcript NM_000173.7 (MANE Select); coding-DNA position 308, A replaced by G.
Protein change: p.Asn103Ser; replaces asparagine 103 with serine.
Molecular consequence: missense variant.
Genome position (GRCh38, 1-based): chr17:4,932,912, A>G. VCF-style: chr17-4932912-A-G. GRCh37 (hg19) VCF-style: chr17-4836207-A-G.
Other names: short protein forms N103S.
Identifiers: ClinVar variation 1188495 (VCV001188495.3), dbSNP rs2151107775, ClinGen allele CA397315770.